The following is an entry in ClinVar:

NM_004006.3(DMD):c.1196T>C (p.Ile399Thr)

Gene: DMD (dystrophin; minus strand). Cytogenetic location: Xp21.1.
Variant type: single nucleotide variant.
Coding change: c.1196T>C on transcript NM_004006.3 (MANE Select); coding-DNA position 1196, T replaced by C.
Protein change: p.Ile399Thr; replaces isoleucine 399 with threonine.
Molecular consequence: missense variant.
Genome position (GRCh38, 1-based): chrX:32,644,267, A>G on the plus strand (T>C on the coding strand, the complement: DMD is on the minus strand). VCF-style: chrX-32644267-A-G. GRCh37 (hg19) VCF-style: chrX-32662384-A-G.
Other names: c.1172T>C, p.Ile391Thr (NM_000109.4); c.1184T>C, p.Ile395Thr (NM_004009.3); c.827T>C, p.Ile276Thr (NM_004010.3); short protein forms I276T, I399T, I391T, I395T.
Identifiers: ClinVar variation 1361212 (VCV001361212.8), dbSNP rs2059648333, ClinGen allele CA412661310.

ClinVar aggregate classification (germline): Uncertain significance (1 of 4 stars; one submission).

Conditions:
Duchenne muscular dystrophy (DMD). Also called: MUSCULAR DYSTROPHY, PSEUDOHYPERTROPHIC PROGRESSIVE, DUCHENNE TYPE; Duchenne Muscular Dystrophy (DMD). Identifiers: Orphanet 98896, MedGen C0013264, MONDO:0010679, OMIM 310200.

Submission:

Labcorp Genetics (formerly Invitae), Labcorp
Classification: Uncertain significance for Duchenne muscular dystrophy. Last evaluated: 2021-09-05. Review status: criteria provided, single submitter. Criteria: Invitae Variant Classification Sherloc (09022015). Collection method: clinical testing. Allele origin: germline.
Comment: In summary, the available evidence is currently insufficient to determine the role of this variant in disease. Therefore, it has been classified as a Variant of Uncertain Significance. Algorithms developed to predict the effect of missense changes on protein structure and function (SIFT, PolyPhen-2, Align-GVGD) all suggest that this variant is likely to be tolerated, but these predictions have not been confirmed by published functional studies and their clinical significance is uncertain. This variant has not been reported in the literature in individuals with DMD-related conditions. This variant is not present in population databases (ExAC no frequency). This sequence change replaces isoleucine with threonine at codon 399 of the DMD protein (p.Ile399Thr). The isoleucine residue is weakly conserved and there is a moderate physicochemical difference between isoleucine and threonine.